The following is an entry in ClinVar:

ClinVar aggregate classification (germline): Benign/Likely benign. Review status: criteria provided, multiple submitters, no conflicts (2 of 4 stars). 5 submissions from 5 submitters: Benign (1); Likely benign (4). Last evaluated 2025-11-27.

Conditions:
Hereditary cancer-predisposing syndrome. Also called: Tumor predisposition; Hereditary Cancer Syndrome; Hereditary neoplastic syndrome; Neoplastic Syndromes, Hereditary. Identifiers: Orphanet 140162, MedGen C0027672, MeSH D009386, MONDO:0015356.
Peutz-Jeghers syndrome (PJS). Also called: POLYPOSIS, HAMARTOMATOUS INTESTINAL; POLYPS-AND-SPOTS SYNDROME; Peutz-Jeghers polyposis; Periorificial lentiginosis syndrome. Identifiers: Orphanet 2869, MedGen C0031269, MeSH D010580, MONDO:0008280, OMIM 175200.

Allele frequency attached by ClinVar (database versions not stated): TOPMed below 0.00001; gnomAD 0.00001; gnomAD exomes below 0.00001.
gnomAD v4.1: 7 of 1,590,016 alleles (0.00044%); highest among the groups gnomAD compares: African/African-American, 0.0027%; no homozygotes.

Submissions (5):

Labcorp Genetics (formerly Invitae), Labcorp
Classification: Likely benign for Peutz-Jeghers syndrome. Last evaluated: 2025-11-27. Review status: criteria provided, single submitter. Criteria: Invitae Variant Classification Sherloc (09022015). Collection method: clinical testing. Allele origin: germline.

Myriad Genetics, Inc.
Classification: Benign for Peutz-Jeghers syndrome. Last evaluated: 2025-03-28. Review status: criteria provided, single submitter. Criteria: Myriad Autosomal Dominant, Autosomal Recessive and X-Linked Classification Criteria (2023). Collection method: clinical testing. Allele origin: unknown.
Comment: This variant is considered benign. This variant is a silent/synonymous amino acid change and it is not expected to impact splicing.

GeneDx
Classification: Likely benign. Last evaluated: 2017-06-12. Review status: criteria provided, single submitter. Criteria: GeneDx Variant Classification (06012015). Collection method: clinical testing. Allele origin: germline. Affected: yes.
Comment: This variant is considered likely benign or benign based on one or more of the following criteria: it is a conservative change, it occurs at a poorly conserved position in the protein, it is predicted to be benign by multiple in silico algorithms, and/or has population frequency not consistent with disease.

Color Diagnostics, LLC DBA Color Health
Classification: Likely benign for Hereditary cancer-predisposing syndrome. Last evaluated: 2017-02-06. Review status: criteria provided, single submitter. Criteria: ACMG Guidelines, 2015. Collection method: clinical testing. Allele origin: germline.

Ambry Genetics
Classification: Likely benign for Hereditary cancer-predisposing syndrome. Last evaluated: 2015-11-22. Review status: criteria provided, single submitter. Criteria: Ambry Variant Classification Scheme 2023. Collection method: clinical testing. Allele origin: germline.

NM_000455.5(STK11):c.963C>T (p.Pro321=)

Gene: STK11 (serine/threonine kinase 11; plus strand). Cytogenetic location: 19p13.3.
Variant type: single nucleotide variant.
Coding change: c.963C>T on transcript NM_000455.5 (MANE Select); coding-DNA position 963, C replaced by T.
Protein change: p.Pro321=; no amino-acid change (proline 321 retained).
Molecular consequence: synonymous variant.
Genome position (GRCh38, 1-based): chr19:1,223,027, C>T. VCF-style: chr19-1223027-C-T. GRCh37 (hg19) VCF-style: chr19-1223026-C-T.
Identifiers: ClinVar variation 237808 (VCV000237808.19), dbSNP rs878853993, ClinGen allele CA10583789.
Genomic context (GRCh38, chr19:1,223,027, plus strand): 5'-GCTTCTGGGCGTTTGCAGCTGGTTCCGGAAGAAACATCCTCCGGCTGAAGCACCAGTGCC[C>T]ATCCCACCGAGCCCAGACACCAAGGACCGGTGGCGCAGCATGACTGTGGTGCCGTACTTG-3'
Protein context (NP_000446.1, residues 311-331): KKHPPAEAPV[Pro321=]IPPSPDTKDR